The following is an entry in ClinVar:

NM_005045.4(RELN):c.1872CTC[3] (p.Ser626_Glu627insSer)

Gene: RELN (reelin; minus strand). Cytogenetic location: 7q22.1.
Variant type: Microsatellite.
Coding change: c.1872CTC[3] on transcript NM_005045.4 (MANE Select); three copies in a row of the 3-base unit CTC starting at c.1872; the reference has two copies in a row; one copy, 3 bases duplicated.
Protein change: p.Ser626_Glu627insSer.
Molecular consequence: inframe insertion.
Genome position (GRCh38, 1-based): chr7:103,651,676-103,651,678, GAG duplicated on the plus strand (CTC on the coding strand, the reverse complement: RELN is on the minus strand); duplicating any 3 consecutive bases within chr7:103,651,676-103,651,681 gives the same sequence; the position shown is the placement nearest the transcript's 3' end. VCF-style (leftmost placement, unchanged base first): chr7-103651675-A-AGAG. GRCh37 (hg19) VCF-style: chr7-103292122-A-AGAG.
Other names: c.1872CTC[3], p.Ser626_Glu627insSer (NM_173054.3).
Identifiers: ClinVar variation 3752463 (VCV003752463.2).
Genomic context (GRCh38, chr7:103,651,675, plus strand): 5'-CAACATGGATTCAAGTATTTCAATATCTCAGAGAGAATGTACTCACCCACTGTAGTTTTC[A>AGAG]GAGGAGTAGACAGTGCTGTGGGGGAGGTGGGGTCCAGCACAGATCTCAGGTAAGCATTCA-3'

ClinVar aggregate classification (germline): Uncertain significance (1 of 4 stars; one submission).

Conditions:
Norman-Roberts syndrome (LIS2). Also called: Lissencephaly 2 (Norman-Roberts type). Identifiers: Orphanet 89844, MedGen C0796089, MONDO:0009760, OMIM 257320.
Familial temporal lobe epilepsy 7. Identifiers: Orphanet 101046, MedGen C4225327, MONDO:0014639, OMIM 616436.

Submission:

Labcorp Genetics (formerly Invitae), Labcorp
Classification: Uncertain significance for Familial temporal lobe epilepsy 7; Norman-Roberts syndrome. Last evaluated: 2025-01-14. Review status: criteria provided, single submitter. Criteria: Invitae Variant Classification Sherloc (09022015). Collection method: clinical testing. Allele origin: germline.
Comment: This variant, c.1875_1877dup, results in the insertion of 1 amino acid(s) of the RELN protein (p.Ser626dup), but otherwise preserves the integrity of the reading frame. This variant is present in population databases (no rsID available, gnomAD 0.0009%). This variant has not been reported in the literature in individuals affected with RELN-related conditions. In summary, the available evidence is currently insufficient to determine the role of this variant in disease. Therefore, it has been classified as a Variant of Uncertain Significance.